The following is an entry in ClinVar:

ClinVar aggregate classification (germline): Pathogenic (1 of 4 stars; one submission).

Submission:

ARUP Laboratories, Molecular Genetics and Genomics, ARUP Laboratories
Classification: Pathogenic. Last evaluated: 2023-03-24. Review status: criteria provided, single submitter. Criteria: ARUP Molecular Germline Variant Investigation Process 2024. Collection method: clinical testing. Allele origin: germline.
Comment: The SPTA1 c.5212_5213dup; p.Gln1739ProfsTer15 variant, to our knowledge, is not reported in the medical literature or gene specific databases. This variant is also absent from the Genome Aggregation Database, indicating it is not a common polymorphism. This variant causes a frameshift by inserting two nucleotides, so it is predicted to result in a truncated protein or mRNA subject to nonsense-mediated decay. Additionally, several downstream truncating variants have been described in individuals with spherocytosis and are considered pathogenic (Selected references: Gallagher 2019, Aggarwal 2020, Xi 2019). Based on available information, the clinical significance of this variant is considered to be pathogenic. REFERENCES Aggarwal A et al. Deciphering molecular heterogeneity of Indian families with hereditary spherocytosis using targeted next-generation sequencing: First South Asian study. Br J Haematol. 2020 Mar. PMID: 31602632 Gallagher PG et al. Aberrant splicing contributes to severe alpha-spectrin-linked congenital hemolytic anemia. J Clin Invest. 2019 Apr 30. PMID: 31038472 Xi Y et al. A novel mutation in SPTA1 identified by whole exome sequencing in a Chinese family for hereditary elliptocytosis presenting with hyperbilirubinemia: A case report. Medicine (Baltimore). 2019 May. PMID: 31145309

NM_003126.4(SPTA1):c.5212_5213dup (p.Gln1739fs)

Gene: SPTA1 (spectrin alpha, erythrocytic 1; minus strand). Cytogenetic location: 1q23.1.
Variant type: Duplication.
Coding change: c.5212_5213dup on transcript NM_003126.4 (MANE Select); coding-DNA positions 5212 to 5213, 2 bases duplicated (TC; older notation c.5212_5213dupTC).
Protein change: p.Gln1739fs; shifts the reading frame from glutamine 1739.
Molecular consequence: frameshift variant.
Genome position (GRCh38, 1-based): chr1:158,636,738-158,636,739, GA duplicated on the plus strand (TC on the coding strand, the reverse complement: SPTA1 is on the minus strand); duplicating any 2 consecutive bases within chr1:158,636,738-158,636,740 gives the same sequence; the c. name uses the placement nearest the transcript's 3' end. VCF-style (leftmost placement, unchanged base first): chr1-158636737-G-GGA. GRCh37 (hg19) VCF-style: chr1-158606527-G-GGA.
Other names: short protein forms Q1739fs.
Identifiers: ClinVar variation 2920984 (VCV002920984.1), dbSNP rs2526379548, ClinGen allele CA2739275334.